The following is an entry in ClinVar:

NM_152703.5(SAMD9L):c.283C>G (p.Pro95Ala)

Gene: SAMD9L (sterile alpha motif domain containing 9 like; minus strand). Cytogenetic location: 7q21.2.
Variant type: single nucleotide variant.
Coding change: c.283C>G on transcript NM_152703.5 (MANE Select); coding-DNA position 283, C replaced by G.
Protein change: p.Pro95Ala; replaces proline 95 with alanine.
Molecular consequence: missense variant.
Genome position (GRCh38, 1-based): chr7:93,135,689, G>C on the plus strand (C>G on the coding strand, the complement: SAMD9L is on the minus strand). VCF-style: chr7-93135689-G-C. GRCh37 (hg19) VCF-style: chr7-92765002-G-C.
Other names: c.283C>G (NM_152703.2); c.283C>G, p.Pro95Ala (NM_001303496.3, NM_001303497.3, NM_001303498.3 and 5 more transcripts); short protein forms P95A.
Identifiers: ClinVar variation 2878944 (VCV002878944.4), dbSNP rs1187623931, ClinGen allele CA368206285.

ClinVar aggregate classification (germline): Uncertain significance. Review status: criteria provided, multiple submitters, no conflicts (2 of 4 stars). 2 submissions from 2 submitters: Uncertain significance (2). Last evaluated 2025-05-22.

Conditions:
Inborn genetic diseases. Identifiers: MedGen C0950123, MeSH D030342.

gnomAD v4.1: 1 of 1,613,978 alleles (0.000062%); highest among the groups gnomAD compares: Middle Eastern, 0.017%; no homozygotes.

Submissions (2):

Ambry Genetics
Classification: Uncertain significance for Inborn genetic diseases. Last evaluated: 2025-05-22. Review status: criteria provided, single submitter. Criteria: Ambry Variant Classification Scheme 2023. Collection method: clinical testing. Allele origin: germline.
Comment: The p.P95A variant (also known as c.283C>G), located in coding exon 1 of the SAMD9L gene, results from a C to G substitution at nucleotide position 283. The proline at codon 95 is replaced by alanine, an amino acid with highly similar properties. This amino acid position is conserved. In addition, this alteration is predicted to be tolerated by in silico analysis. Based on the available evidence, the clinical significance of this variant remains unclear.

Labcorp Genetics (formerly Invitae), Labcorp
Classification: Uncertain significance. Last evaluated: 2023-08-09. Review status: criteria provided, single submitter. Criteria: Invitae Variant Classification Sherloc (09022015). Collection method: clinical testing. Allele origin: germline.
Comment: This sequence change replaces proline, which is neutral and non-polar, with alanine, which is neutral and non-polar, at codon 95 of the SAMD9L protein (p.Pro95Ala). This variant is not present in population databases (gnomAD no frequency). This variant has not been reported in the literature in individuals affected with SAMD9L-related conditions. An algorithm developed to predict the effect of missense changes on protein structure and function (PolyPhen-2) suggests that this variant is likely to be tolerated. In summary, the available evidence is currently insufficient to determine the role of this variant in disease. Therefore, it has been classified as a Variant of Uncertain Significance.